The following is an entry in ClinVar:

ClinVar aggregate classification (germline): Benign/Likely benign. Review status: criteria provided, multiple submitters, no conflicts (2 of 4 stars). 8 submissions from 8 submitters: Benign (1); Likely benign (7). Last evaluated 2025-10-06.

Conditions:
Familial cancer of breast. Also called: Hereditary breast cancer; BREAST CANCER, FAMILIAL; hereditary breast carcinoma. Identifiers: Orphanet 227535, MedGen C0346153, MONDO:0016419, OMIM 114480. Disease mechanism: loss of function.
Ovarian cancer. Also called: OVARIAN CANCER, SOMATIC. Identifiers: Orphanet 213500, MedGen C1140680, MONDO:0008170, OMIM 167000.
Hereditary cancer-predisposing syndrome. Also called: Tumor predisposition; Neoplastic Syndromes, Hereditary; Hereditary Cancer Syndrome; Hereditary neoplastic syndrome. Identifiers: Orphanet 140162, MedGen C0027672, MeSH D009386, MONDO:0015356.
Hereditary diffuse gastric adenocarcinoma (HDGC). Also called: DIFFUSE GASTRIC AND LOBULAR BREAST CANCER SYNDROME. Identifiers: Orphanet 26106, MedGen C1708349, MONDO:0007648, OMIM 137215.

Allele frequency attached by ClinVar (database versions not stated): TOPMed below 0.00001; gnomAD exomes 0.00001 and 0.00002; ExAC 0.00002.
gnomAD v4.1: 13 of 1,609,132 alleles (0.00081%); highest among the groups gnomAD compares: South Asian, 0.011%; no homozygotes.

Submissions (8):

Labcorp Genetics (formerly Invitae), Labcorp
Classification: Likely benign for Hereditary diffuse gastric adenocarcinoma. Last evaluated: 2025-10-06. Review status: criteria provided, single submitter. Criteria: Invitae Variant Classification Sherloc (09022015). Collection method: clinical testing. Allele origin: germline.

Myriad Genetics, Inc.
Classification: Benign for Hereditary diffuse gastric adenocarcinoma. Last evaluated: 2024-09-20. Review status: criteria provided, single submitter. Criteria: Myriad Autosomal Dominant, Autosomal Recessive and X-Linked Classification Criteria (2023). Collection method: clinical testing. Allele origin: unknown.
Comment: This variant is considered benign. This variant is a silent/synonymous amino acid change and it is not expected to impact splicing.

Department of Pathology and Laboratory Medicine, Sinai Health System
Classification: Likely benign for Familial cancer of breast; Ovarian cancer. Last evaluated: 2020-04-03. Review status: criteria provided, single submitter. Criteria: ACMG Guidelines, 2015. Collection method: clinical testing. Allele origin: germline. Affected: yes.

GeneDx
Classification: Likely benign. Last evaluated: 2019-12-26. Review status: criteria provided, single submitter. Criteria: GeneDx Variant Classification Process June 2021. Collection method: clinical testing. Allele origin: germline. Affected: yes.

Color Diagnostics, LLC DBA Color Health
Classification: Likely benign for Hereditary cancer-predisposing syndrome. Last evaluated: 2019-11-11. Review status: criteria provided, single submitter. Criteria: ACMG Guidelines, 2015. Collection method: clinical testing. Allele origin: germline.

Women's Health and Genetics/Laboratory Corporation of America, LabCorp
Classification: Likely benign. Last evaluated: 2019-08-28. Review status: criteria provided, single submitter. Criteria: LabCorp Variant Classification Summary - May 2015. Collection method: clinical testing. Allele origin: germline.

Quest Diagnostics Nichols Institute San Juan Capistrano
Classification: Likely benign. Last evaluated: 2018-04-26. Review status: criteria provided, single submitter. Criteria: Quest Diagnostics criteria. Collection method: clinical testing. Allele origin: germline.

Ambry Genetics
Classification: Likely benign for Hereditary cancer-predisposing syndrome. Last evaluated: 2018-03-26. Review status: criteria provided, single submitter. Criteria: Ambry Variant Classification Scheme 2023. Collection method: clinical testing. Allele origin: germline.

NM_004360.5(CDH1):c.2157T>G (p.Ala719=)

Gene: CDH1 (cadherin 1; plus strand). Cytogenetic location: 16q22.1.
Variant type: single nucleotide variant.
Coding change: c.2157T>G on transcript NM_004360.5 (MANE Select); coding-DNA position 2157, T replaced by G.
Protein change: p.Ala719=; no amino-acid change (alanine 719 retained).
Molecular consequence: synonymous variant.
Genome position (GRCh38, 1-based): chr16:68,823,619, T>G. VCF-style: chr16-68823619-T-G. GRCh37 (hg19) VCF-style: chr16-68857522-T-G.
Other names: c.2157T>G (LRG_301t1); c.1974T>G, p.Ala658= (NM_001317184.2); c.609T>G, p.Ala203= (NM_001317185.2); c.192T>G, p.Ala64= (NM_001317186.2).
Identifiers: ClinVar variation 414060 (VCV000414060.25), dbSNP rs762224244, ClinGen allele CA8130200.